The following is an entry in ClinVar:

NM_015047.3(EMC1):c.2641C>G (p.Arg881Gly)

Genes: EMC1 (ER membrane protein complex subunit 1; minus strand), EMC1-AS1 (EMC1 antisense RNA 1; plus strand). Cytogenetic location: 1p36.13.
Variant type: single nucleotide variant.
Coding change: c.2641C>G on transcript NM_015047.3 (MANE Select); coding-DNA position 2641, C replaced by G.
Protein change: p.Arg881Gly; replaces arginine 881 with glycine.
Molecular consequence: missense variant.
Genome position (GRCh38, 1-based): chr1:19,220,795, G>C on the plus strand (C>G on the coding strand, the complement: EMC1 is on the minus strand). VCF-style: chr1-19220795-G-C. GRCh37 (hg19) VCF-style: chr1-19547289-G-C.
Other names: c.2638C>G, p.Arg880Gly (NM_001271427.2, NM_001271428.2); c.2575C>G, p.Arg859Gly (NM_001271429.2); c.2650C>G, p.Arg884Gly (NM_001375820.1); c.2647C>G, p.Arg883Gly (NM_001375821.1); short protein forms R859G, R883G, R884G, R880G, R881G.
Identifiers: ClinVar variation 1387910 (VCV001387910.6), dbSNP rs375114221, ClinGen allele CA338751962.

ClinVar aggregate classification (germline): Uncertain significance (1 of 4 stars; one submission).

Submission:

Labcorp Genetics (formerly Invitae), Labcorp
Classification: Uncertain significance. Last evaluated: 2021-10-19. Review status: criteria provided, single submitter. Criteria: Invitae Variant Classification Sherloc (09022015). Collection method: clinical testing. Allele origin: germline.
Comment: In summary, the available evidence is currently insufficient to determine the role of this variant in disease. Therefore, it has been classified as a Variant of Uncertain Significance. Algorithms developed to predict the effect of missense changes on protein structure and function are either unavailable or do not agree on the potential impact of this missense change (SIFT: "Deleterious"; PolyPhen-2: "Probably Damaging"; Align-GVGD: "Class C0"). This variant has not been reported in the literature in individuals affected with EMC1-related conditions. This variant is not present in population databases (ExAC no frequency). This sequence change replaces arginine with glycine at codon 881 of the EMC1 protein (p.Arg881Gly). The arginine residue is highly conserved and there is a moderate physicochemical difference between arginine and glycine.